The following is an entry in ClinVar:

ClinVar aggregate classification (germline): Uncertain significance (1 of 4 stars; one submission).

Conditions:
Saldino-Mainzer syndrome (SRTD9). Also called: CONORENAL SYNDROME; Renal dysplasia, retinal pigmentary dystrophy, cerebellar ataxia and skeletal dysplasia; SHORT-RIB THORACIC DYSPLASIA 9 WITHOUT POLYDACTYLY; short-rib thoracic dysplasia 9 with or without polydactyly. Identifiers: Orphanet 140969, MedGen C1849437, MONDO:0009964, OMIM 266920.

Submission:

Labcorp Genetics (formerly Invitae), Labcorp
Classification: Uncertain significance for Saldino-Mainzer syndrome. Last evaluated: 2025-09-28. Review status: criteria provided, single submitter. Criteria: Invitae Variant Classification Sherloc (09022015). Collection method: clinical testing. Allele origin: germline.
Comment: This sequence change replaces tyrosine, which is neutral and polar, with histidine, which is basic and polar, at codon 729 of the IFT140 protein (p.Tyr729His). This variant is not present in population databases (gnomAD no frequency). This variant has not been reported in the literature in individuals affected with IFT140-related conditions. Invitae Evidence Modeling of protein sequence and biophysical properties (such as structural, functional, and spatial information, amino acid conservation, physicochemical variation, residue mobility, and thermodynamic stability) has been performed for this missense variant. However, the output from this modeling did not meet the statistical confidence thresholds required to predict the impact of this variant on IFT140 protein function. In summary, the available evidence is currently insufficient to determine the role of this variant in disease. Therefore, it has been classified as a Variant of Uncertain Significance.

NM_014714.4(IFT140):c.2185T>C (p.Tyr729His)

Gene: IFT140 (intraflagellar transport 140; minus strand). Cytogenetic location: 16p13.3.
Variant type: single nucleotide variant.
Coding change: c.2185T>C on transcript NM_014714.4 (MANE Select); coding-DNA position 2185, T replaced by C.
Protein change: p.Tyr729His; replaces tyrosine 729 with histidine.
Molecular consequence: missense variant.
Genome position (GRCh38, 1-based): chr16:1,561,999, A>G on the plus strand (T>C on the coding strand, the complement: IFT140 is on the minus strand). VCF-style: chr16-1561999-A-G. GRCh37 (hg19) VCF-style: chr16-1612000-A-G.
Other names: short protein forms Y729H.
Identifiers: ClinVar variation 4780745 (VCV004780745.1).